The following is an entry in ClinVar:

ClinVar aggregate classification (germline): Uncertain significance. Review status: criteria provided, multiple submitters, no conflicts (2 of 4 stars). 2 submissions from 2 submitters: Uncertain significance (2). Last evaluated 2023-04-22.

Conditions:
Hereditary cancer-predisposing syndrome. Also called: Neoplastic Syndromes, Hereditary; Hereditary Cancer Syndrome; Hereditary neoplastic syndrome; Tumor predisposition. Identifiers: Orphanet 140162, MedGen C0027672, MeSH D009386, MONDO:0015356.
Familial adenomatous polyposis 1 (FAP1). Also called: FAMILIAL ADENOMATOUS POLYPOSIS 1, ATTENUATED; POLYPOSIS, ADENOMATOUS INTESTINAL. Identifiers: MedGen C2713442, MONDO:0021056, OMIM 175100. Disease mechanism: loss of function.

Submissions (2):

Ambry Genetics
Classification: Uncertain significance for Hereditary cancer-predisposing syndrome. Last evaluated: 2023-04-22. Review status: criteria provided, single submitter. Criteria: Ambry Variant Classification Scheme 2023. Collection method: clinical testing. Allele origin: germline.
Comment: The p.G1674E variant (also known as c.5021G>A), located in coding exon 15 of the APC gene, results from a G to A substitution at nucleotide position 5021. The glycine at codon 1674 is replaced by glutamic acid, an amino acid with similar properties. This amino acid position is conserved. In addition, in silico predictors for this gene do not accurately predict pathogenicity. Since supporting evidence is limited at this time, the clinical significance of this alteration remains unclear.

Labcorp Genetics (formerly Invitae), Labcorp
Classification: Uncertain significance for Familial adenomatous polyposis 1. Last evaluated: 2020-03-05. Review status: criteria provided, single submitter. Criteria: Invitae Variant Classification Sherloc (09022015). Collection method: clinical testing. Allele origin: germline.
Comment: This sequence change replaces glycine with glutamic acid at codon 1674 of the APC protein (p.Gly1674Glu). The glycine residue is moderately conserved and there is a moderate physicochemical difference between glycine and glutamic acid. This variant is not present in population databases (ExAC no frequency). This variant has not been reported in the literature in individuals with APC-related conditions. Algorithms developed to predict the effect of missense changes on protein structure and function (SIFT, PolyPhen-2, Align-GVGD) all suggest that this variant is likely to be tolerated, but these predictions have not been confirmed by published functional studies and their clinical significance is uncertain. In summary, the available evidence is currently insufficient to determine the role of this variant in disease. Therefore, it has been classified as a Variant of Uncertain Significance.

NM_000038.6(APC):c.5021G>A (p.Gly1674Glu)

Gene: APC (APC regulator of Wnt signaling pathway; plus strand). Cytogenetic location: 5q22.2.
Variant type: single nucleotide variant.
Coding change: c.5021G>A on transcript NM_000038.6 (MANE Select); coding-DNA position 5021, G replaced by A.
Protein change: p.Gly1674Glu; replaces glycine 1674 with glutamic acid.
Molecular consequence: missense variant.
Genome position (GRCh38, 1-based): chr5:112,840,615, G>A. VCF-style: chr5-112840615-G-A. GRCh37 (hg19) VCF-style: chr5-112176312-G-A.
Other names: c.5021G>A (NM_000038.5); c.5021G>A, p.Gly1674Glu (NM_001127510.3, NM_001354895.2); c.4967G>A, p.Gly1656Glu (NM_001127511.3); c.5075G>A, p.Gly1692Glu (NM_001354896.2); c.5051G>A, p.Gly1684Glu (NM_001354897.2); c.4946G>A, p.Gly1649Glu (NM_001354898.2); c.4937G>A, p.Gly1646Glu (NM_001354899.2); c.4898G>A, p.Gly1633Glu (NM_001354900.2); and 6 more; short protein forms G1391E, G1514E, G1548E, G1573E, G1583E, G1615E, G1633E, G1646E.
Identifiers: ClinVar variation 1058153 (VCV001058153.12), dbSNP rs1561597087, ClinGen allele CA16032317.